The following is an entry in ClinVar:

ClinVar aggregate classification (germline): Uncertain significance (1 of 4 stars; one submission).

Conditions:
Autosomal dominant polycystic kidney disease. Identifiers: Orphanet 730, MedGen C0085413, MONDO:0004691.

gnomAD v4.1: 3 of 1,613,536 alleles (0.00019%); highest among the groups gnomAD compares: East Asian, 0.0022%; no homozygotes.

Submission:

Labcorp Genetics (formerly Invitae), Labcorp
Classification: Uncertain significance for Autosomal dominant polycystic kidney disease. Last evaluated: 2025-10-08. Review status: criteria provided, single submitter. Criteria: Invitae Variant Classification Sherloc (09022015). Collection method: clinical testing. Allele origin: germline.
Comment: This sequence change replaces methionine, which is neutral and non-polar, with valine, which is neutral and non-polar, at codon 603 of the PKD2 protein (p.Met603Val). This variant is present in population databases (rs761542725, gnomAD 0.01%). This variant has not been reported in the literature in individuals affected with PKD2-related conditions. Invitae Evidence Modeling of protein sequence and biophysical properties (such as structural, functional, and spatial information, amino acid conservation, physicochemical variation, residue mobility, and thermodynamic stability) has been performed for this missense variant. However, the output from this modeling did not meet the statistical confidence thresholds required to predict the impact of this variant on PKD2 protein function. In summary, the available evidence is currently insufficient to determine the role of this variant in disease. Therefore, it has been classified as a Variant of Uncertain Significance.

NM_000297.4(PKD2):c.1807A>G (p.Met603Val)

Gene: PKD2 (polycystin 2, transient receptor potential cation channel; plus strand). Cytogenetic location: 4q22.1.
Variant type: single nucleotide variant.
Coding change: c.1807A>G on transcript NM_000297.4 (MANE Select); coding-DNA position 1807, A replaced by G.
Protein change: p.Met603Val; replaces methionine 603 with valine.
Molecular consequence: missense variant. On other transcripts: non-coding transcript variant (1).
Genome position (GRCh38, 1-based): chr4:88,056,176, A>G. VCF-style: chr4-88056176-A-G. GRCh37 (hg19) VCF-style: chr4-88977328-A-G.
Other names: c.1582A>G, p.Met528Val (NM_001440544.1); short protein forms M528V, M603V.
Identifiers: ClinVar variation 4750766 (VCV004750766.1).